The following is an entry in ClinVar:

NM_015910.7(WDPCP):c.1447C>G (p.Arg483Gly)

Gene: WDPCP (WD repeat containing planar cell polarity effector; minus strand). Cytogenetic location: 2p15.
Variant type: single nucleotide variant.
Coding change: c.1447C>G on transcript NM_015910.7 (MANE Select); coding-DNA position 1447, C replaced by G.
Protein change: p.Arg483Gly; replaces arginine 483 with glycine.
Molecular consequence: missense variant. On other transcripts: non-coding transcript variant (3).
Genome position (GRCh38, 1-based): chr2:63,382,083, G>C on the plus strand (C>G on the coding strand, the complement: WDPCP is on the minus strand). VCF-style: chr2-63382083-G-C. GRCh37 (hg19) VCF-style: chr2-63609218-G-C.
Other names: c.970C>G, p.Arg324Gly (NM_001042692.3); c.1375C>G, p.Arg459Gly (NM_001354044.2); c.1447C>G, p.Arg483Gly (NM_001354045.2); short protein forms R324G, R459G, R483G.
Identifiers: ClinVar variation 3347923 (VCV003347923.1).

ClinVar aggregate classification (germline): Uncertain significance (0 of 4 stars; one submission).

Conditions:
WDPCP-related disorder. Also called: WDPCP-related condition.

gnomAD v4.1: 5 of 1,612,678 alleles (0.00031%); highest among the groups gnomAD compares: South Asian, 0.0011%; no homozygotes.

Submission:

PreventionGenetics, part of Exact Sciences
Classification: Uncertain significance for WDPCP-related condition. Last evaluated: 2024-06-12. Review status: no assertion criteria provided. Collection method: clinical testing. Allele origin: germline.
Comment: The WDPCP c.1447C>G variant is predicted to result in the amino acid substitution p.Arg483Gly. To our knowledge, this variant has not been reported in the literature or in a large population database, indicating this variant is rare. At this time, the clinical significance of this variant is uncertain due to the absence of conclusive functional and genetic evidence.